The following is an entry in ClinVar:

ClinVar aggregate classification (germline): Likely pathogenic (1 of 4 stars; one submission).

Conditions:
Congenital myotonia, autosomal dominant form (THD). Also called: THOMSEN DISEASE; Myotonia congenita autosomal dominant. Identifiers: Orphanet 614, MedGen C2936781, MONDO:0008055, OMIM 160800.
Congenital myotonia, autosomal recessive form. Also called: Becker Generalized Myotonia; myotonia congenita, autosomal recessive; BECKER DISEASE. Identifiers: Orphanet 614, MedGen C0751360, MONDO:0009715, OMIM 255700.

Submission:

Labcorp Genetics (formerly Invitae), Labcorp
Classification: Likely pathogenic for Congenital myotonia, autosomal recessive form; Congenital myotonia, autosomal dominant form. Last evaluated: 2024-10-02. Review status: criteria provided, single submitter. Criteria: Invitae Variant Classification Sherloc (09022015). Collection method: clinical testing. Allele origin: germline.
Comment: This sequence change affects a donor splice site in intron 4 of the CLCN1 gene. It is expected to disrupt RNA splicing. Variants that disrupt the donor or acceptor splice site typically lead to a loss of protein function (PMID: 16199547), and loss-of-function variants in CLCN1 are known to be pathogenic (PMID: 17932099, 22094069, 23739125). This variant is not present in population databases (gnomAD no frequency). This variant has not been reported in the literature in individuals affected with CLCN1-related conditions. Algorithms developed to predict the effect of sequence changes on RNA splicing suggest that this variant may disrupt the consensus splice site. In summary, the currently available evidence indicates that the variant is pathogenic, but additional data are needed to prove that conclusively. Therefore, this variant has been classified as Likely Pathogenic.

Literature cited by the submitters: PubMed 16199547; PubMed 17932099; PubMed 22094069; PubMed 23739125.

NM_000083.3(CLCN1):c.562+2T>G

Gene: CLCN1 (chloride voltage-gated channel 1; plus strand). Cytogenetic location: 7q34.
Variant type: single nucleotide variant.
Coding change: c.562+2T>G on transcript NM_000083.3 (MANE Select); the canonical splice donor site of the intron after coding-DNA position 562, T replaced by G.
Molecular consequence: splice donor variant.
Genome position (GRCh38, 1-based): chr7:143,321,495, T>G. VCF-style: chr7-143321495-T-G. GRCh37 (hg19) VCF-style: chr7-143018588-T-G.
Identifiers: ClinVar variation 3759340 (VCV003759340.2).